The following is an entry in ClinVar:

ClinVar aggregate classification (germline): Uncertain significance (1 of 4 stars; one submission).

Submission:

Dasa
Classification: Uncertain significance. Last evaluated: 2025-08-04. Review status: criteria provided, single submitter. Criteria: DASA Assertion Criteria. Collection method: clinical testing. Allele origin: germline.
Comment: NM_001197104.2(KMT2A):c.8563T>C (p.Phe2855Leu) is a missense variant that results in the substitution of phenylalanine with leucine. This variant is absent from population databases. Computational prediction algorithms are consistent with a deleterious effect. The currently available literature and clinical evidence are not sufficient to establish a definitive association between this variant and the reported condition. Therefore, this variant is classified as a variant of uncertain significance.

NM_001197104.2(KMT2A):c.8563T>C (p.Phe2855Leu)

Gene: KMT2A (lysine methyltransferase 2A; plus strand). Cytogenetic location: 11q23.3.
Variant type: single nucleotide variant.
Coding change: c.8563T>C on transcript NM_001197104.2 (MANE Select); coding-DNA position 8563, T replaced by C.
Protein change: p.Phe2855Leu; replaces phenylalanine 2855 with leucine.
Molecular consequence: missense variant.
Genome position (GRCh38, 1-based): chr11:118,504,455, T>C. VCF-style: chr11-118504455-T-C. GRCh37 (hg19) VCF-style: chr11-118375170-T-C.
Other names: c.8653T>C, p.Phe2885Leu (NM_001412597.1); c.8554T>C, p.Phe2852Leu (NM_005933.4); short protein forms F2852L, F2855L, F2885L.
Identifiers: ClinVar variation 4885619 (VCV004885619.2).